The following is an entry in ClinVar:

NM_001375405.1(CEP120):c.2481+6C>T

Gene: CEP120 (centrosomal protein 120; minus strand). Cytogenetic location: 5q23.2.
Variant type: single nucleotide variant.
Coding change: c.2481+6C>T on transcript NM_001375405.1 (MANE Select); 6 bases into the intron after coding-DNA position 2481, C replaced by T.
Molecular consequence: intron variant.
Genome position (GRCh38, 1-based): chr5:123,372,644, G>A on the plus strand (C>T on the coding strand, the complement: CEP120 is on the minus strand). VCF-style: chr5-123372644-G-A. GRCh37 (hg19) VCF-style: chr5-122708338-G-A.
Other names: c.2403+6C>T (NM_001166226.2); c.2481+6C>T (NM_153223.4, NM_001375407.1); c.1908+6C>T (NM_001375408.1, NM_001375409.1); c.2346+6C>T (NM_001375406.1).
Identifiers: ClinVar variation 2171245 (VCV002171245.28), dbSNP rs544074055, ClinGen allele CA126008426.

ClinVar aggregate classification (germline): Uncertain significance. Review status: criteria provided, multiple submitters, no conflicts (2 of 4 stars). 2 submissions from 2 submitters: Uncertain significance (2). Last evaluated 2023-01-01.

Conditions:
Short-rib thoracic dysplasia 13 with or without polydactyly (SRTD13). Identifiers: Orphanet 474, MedGen C4225378, MONDO:0014577, OMIM 616300.

Allele frequency attached by ClinVar (database versions not stated): gnomAD 0.00001; TOPMed 0.00001.
gnomAD v4.1: 12 of 1,611,148 alleles (0.00074%); highest among the groups gnomAD compares: East Asian, 0.0022%; no homozygotes.

Submissions (2):

CeGaT Center for Human Genetics Tuebingen
Classification: Uncertain significance. Last evaluated: 2023-01-01. Review status: criteria provided, single submitter. Criteria: CeGaT Center For Human Genetics Tuebingen Variant Classification Criteria Version 2. Collection method: clinical testing. Allele origin: germline. Affected: yes. Observed: 1 variant allele.
Comment: CEP120: PM2, BP4

Labcorp Genetics (formerly Invitae), Labcorp
Classification: Uncertain significance for Short-rib thoracic dysplasia 13 with or without polydactyly. Last evaluated: 2022-05-19. Review status: criteria provided, single submitter. Criteria: Invitae Variant Classification Sherloc (09022015). Collection method: clinical testing. Allele origin: germline.
Comment: This sequence change falls in intron 18 of the CEP120 gene. It does not directly change the encoded amino acid sequence of the CEP120 protein. It affects a nucleotide within the consensus splice site. This variant is not present in population databases (gnomAD no frequency). In summary, the available evidence is currently insufficient to determine the role of this variant in disease. Therefore, it has been classified as a Variant of Uncertain Significance. Variants that disrupt the consensus splice site are a relatively common cause of aberrant splicing (PMID: 17576681, 9536098). Algorithms developed to predict the effect of sequence changes on RNA splicing suggest that this variant is not likely to affect RNA splicing. This variant has not been reported in the literature in individuals affected with CEP120-related conditions.

Literature cited by the submitters: PubMed 17576681 (cited by Labcorp Genetics (formerly Invitae), Labcorp); PubMed 9536098 (cited by Labcorp Genetics (formerly Invitae), Labcorp).